The following is an entry in ClinVar:

ClinVar aggregate classification (germline): Benign/Likely benign. Review status: criteria provided, multiple submitters, no conflicts (2 of 4 stars). 8 submissions from 8 submitters: Benign (4); Likely benign (2). 2 of the submissions do not count toward it. Last evaluated 2026-09-01.

Conditions:
Bainbridge-Ropers syndrome. Also called: Severe feeding difficulties-failure to thrive-microcephaly due to ASXL3 deficiency syndrome. Identifiers: Orphanet 352577, MedGen C4750837, MONDO:0014205, OMIM 615485.

Allele frequency attached by ClinVar (database versions not stated): 1000 Genomes Project 0.00180; gnomAD 0.00386 and 0.00364; gnomAD exomes 0.00489 and 0.00319; 1000 Genomes Project 30x 0.00172; ExAC 0.00321; TOPMed 0.00334; ESP Exome Variant Server 0.00323.
gnomAD v4.1: 7,655 of 1,612,716 alleles (0.47%); highest among the groups gnomAD compares: Non-Finnish European, 0.57%; 19 homozygotes.

Submissions (8):

CeGaT Center for Human Genetics Tuebingen
Classification: Likely benign. Last evaluated: 2026-09-01. Review status: criteria provided, single submitter. Criteria: CeGaT Center For Human Genetics Tuebingen Variant Classification Criteria Version 2. Collection method: clinical testing. Allele origin: germline. Affected: yes. Observed: 31 variant alleles.
Comment: ASXL3: BP4, BP7, BS2

Blueprint Genetics
Classification: Likely benign. Last evaluated: 2024-11-22. Review status: criteria provided, single submitter. Criteria: ACMG Guidelines, 2015. Collection method: clinical testing. Allele origin: germline.

Genome-Nilou Lab
Classification: Benign for Bainbridge-Ropers syndrome. Last evaluated: 2021-12-05. Review status: criteria provided, single submitter. Criteria: ACMG Guidelines, 2015. Collection method: clinical testing. Allele origin: germline. Affected: no.

Labcorp Genetics (formerly Invitae), Labcorp
Classification: Benign. Last evaluated: 2019-12-31. Review status: criteria provided, single submitter. Criteria: Invitae Variant Classification Sherloc (09022015). Collection method: clinical testing. Allele origin: germline.

GeneDx
Classification: Benign. Last evaluated: 2019-02-08. Review status: criteria provided, single submitter. Criteria: GeneDx Variant Classification Process June 2021. Collection method: clinical testing. Allele origin: germline. Affected: yes.

Breakthrough Genomics
Classification: Benign. Review status: criteria provided, single submitter. Criteria: ACMG Guidelines, 2015. Collection method: not provided. Allele origin: germline. Inheritance: Autosomal dominant inheritance. Affected: yes.

Clinical Genetics DNA and cytogenetics Diagnostics Lab, Erasmus MC, Erasmus Medical Center
Classification: Likely benign. Review status: no assertion criteria provided. Collection method: clinical testing. Allele origin: germline. Affected: yes. Study: VKGL Data-share Consensus. Not counted in ClinVar's aggregate classification.

Laboratory of Diagnostic Genome Analysis, Leiden University Medical Center (LUMC)
Classification: Likely benign. Review status: no assertion criteria provided. Collection method: clinical testing. Allele origin: germline. Affected: yes. Study: VKGL Data-share Consensus. Not counted in ClinVar's aggregate classification.

NM_030632.3(ASXL3):c.1116C>T (p.Leu372=)

Gene: ASXL3 (ASXL transcriptional regulator 3; plus strand). Cytogenetic location: 18q12.1.
Variant type: single nucleotide variant.
Coding change: c.1116C>T on transcript NM_030632.3 (MANE Select); coding-DNA position 1116, C replaced by T.
Protein change: p.Leu372=; no amino-acid change (leucine 372 retained).
Molecular consequence: synonymous variant.
Genome position (GRCh38, 1-based): chr18:33,738,520, C>T. VCF-style: chr18-33738520-C-T. GRCh37 (hg19) VCF-style: chr18-31318484-C-T.
Identifiers: ClinVar variation 778150 (VCV000778150.38), dbSNP rs117356074, ClinGen allele CA8933712.